The following is an entry in ClinVar:

NM_004006.3(DMD):c.5350G>C (p.Glu1784Gln)

Gene: DMD (dystrophin; minus strand). Cytogenetic location: Xp21.1.
Variant type: single nucleotide variant.
Coding change: c.5350G>C on transcript NM_004006.3 (MANE Select); coding-DNA position 5350, G replaced by C.
Protein change: p.Glu1784Gln; replaces glutamic acid 1784 with glutamine.
Molecular consequence: missense variant.
Genome position (GRCh38, 1-based): chrX:32,348,504, C>G on the plus strand (G>C on the coding strand, the complement: DMD is on the minus strand). VCF-style: chrX-32348504-C-G. GRCh37 (hg19) VCF-style: chrX-32366621-C-G.
Other names: c.5326G>C, p.Glu1776Gln (NM_000109.4); c.5338G>C, p.Glu1780Gln (NM_004009.3); c.4981G>C, p.Glu1661Gln (NM_004010.3); c.1327G>C, p.Glu443Gln (NM_004011.4); c.1318G>C, p.Glu440Gln (NM_004012.4); short protein forms E1784Q, E443Q, E1776Q, E1780Q, E1661Q, E440Q.
Identifiers: ClinVar variation 4765389 (VCV004765389.1).
Genomic context (GRCh38, chrX:32,348,504, plus strand): 5'-CCTGCTGAATTTCAGCCTCCAGTGGTTCAAGCAATTTTTGTATATCTGAGTTAAACTGCT[C>G]CAATTCCTTCAAAGGAATGGAGGCCTAAAAAAAAAGATAGTGCTACTTTAAATCAAAATT-3'
Protein context (NP_003997.2, residues 1774-1794): GKASIPLKEL[Glu1784Gln]QFNSDIQKLL

ClinVar aggregate classification (germline): Uncertain significance (1 of 4 stars; one submission).

Conditions:
Duchenne muscular dystrophy (DMD). Also called: MUSCULAR DYSTROPHY, PSEUDOHYPERTROPHIC PROGRESSIVE, DUCHENNE TYPE; Duchenne Muscular Dystrophy (DMD). Identifiers: Orphanet 98896, MedGen C0013264, MONDO:0010679, OMIM 310200.

Submission:

Labcorp Genetics (formerly Invitae), Labcorp
Classification: Uncertain significance for Duchenne muscular dystrophy. Last evaluated: 2025-11-18. Review status: criteria provided, single submitter. Criteria: Invitae Variant Classification Sherloc (09022015). Collection method: clinical testing. Allele origin: germline.
Comment: This sequence change replaces glutamic acid, which is acidic and polar, with glutamine, which is neutral and polar, at codon 1784 of the DMD protein (p.Glu1784Gln). This variant is not present in population databases (gnomAD no frequency). This variant has not been reported in the literature in individuals affected with DMD-related conditions. Invitae Evidence Modeling of protein sequence and biophysical properties (such as structural, functional, and spatial information, amino acid conservation, physicochemical variation, residue mobility, and thermodynamic stability) indicates that this missense variant is not expected to disrupt DMD protein function with a negative predictive value of 95%. In summary, the available evidence is currently insufficient to determine the role of this variant in disease. Therefore, it has been classified as a Variant of Uncertain Significance.